The following is an entry in ClinVar:

ClinVar aggregate classification (germline): Uncertain significance. Review status: criteria provided, multiple submitters, no conflicts (2 of 4 stars). 2 submissions from 2 submitters: Uncertain significance (2). Last evaluated 2023-08-24.

Conditions:
Multiple endocrine neoplasia type 2A. Also called: Multiple Endocrine Neoplasia Type 2A (MEN2A); MULTIPLE ENDOCRINE NEOPLASIA, TYPE IIA; PTC SYNDROME; SIPPLE SYNDROME; MEN 2A; MEN-2A syndrome. Identifiers: Orphanet 247698, Orphanet 653, MedGen C0025268, MeSH D018813, MONDO:0008234, OMIM 171400.
Hereditary cancer-predisposing syndrome. Also called: Tumor predisposition; Hereditary neoplastic syndrome; Neoplastic Syndromes, Hereditary; Hereditary Cancer Syndrome. Identifiers: Orphanet 140162, MedGen C0027672, MeSH D009386, MONDO:0015356.

Allele frequency attached by ClinVar (database versions not stated): gnomAD 0.00001.

Submissions (2):

Ambry Genetics
Classification: Uncertain significance for Hereditary cancer-predisposing syndrome. Last evaluated: 2023-08-24. Review status: criteria provided, single submitter. Criteria: Ambry Variant Classification Scheme 2023. Collection method: clinical testing. Allele origin: germline.
Comment: The p.G423W variant (also known as c.1267G>T), located in coding exon 7 of the RET gene, results from a G to T substitution at nucleotide position 1267. The glycine at codon 423 is replaced by tryptophan, an amino acid with highly dissimilar properties. This amino acid position is highly conserved in available vertebrate species. In addition, this alteration is predicted to be deleterious by in silico analysis. Since supporting evidence is limited at this time, the clinical significance of this alteration remains unclear.

St. Jude Molecular Pathology, St. Jude Children's Research Hospital
Classification: Uncertain significance for Multiple endocrine neoplasia type 2A. Last evaluated: 2023-05-23. Review status: criteria provided, single submitter. Criteria: St. Jude Assertion Criteria 2020. Collection method: clinical testing. Allele origin: germline.
Comment: The RET c.1267G>T (p.Gly423Trp) missense change has a maximum subpopulation frequency of 0.006% in gnomAD v2.1.1. The in silico tool REVEL predicts a deleterious effect on protein function, but to our knowledge this prediction has not been confirmed by functional studies. To our knowledge, this variant has not been reported in the literature in individuals with multiple endocrine neoplasia type II. In summary, the evidence currently available is insufficient to determine the clinical significance of this variant. It has therefore been classified as of uncertain significance.

NM_020975.6(RET):c.1267G>T (p.Gly423Trp)

Gene: RET (ret proto-oncogene; plus strand). Cytogenetic location: 10q11.21.
Variant type: single nucleotide variant.
Coding change: c.1267G>T on transcript NM_020975.6 (MANE Select); coding-DNA position 1267, G replaced by T.
Protein change: p.Gly423Trp; replaces glycine 423 with tryptophan.
Molecular consequence: missense variant. On other transcripts: intron variant (15).
Genome position (GRCh38, 1-based): chr10:43,111,210, G>T. VCF-style: chr10-43111210-G-T. GRCh37 (hg19) VCF-style: chr10-43606658-G-T.
Other names: c.1267G>T, p.Gly423Trp (NM_000323.2, NM_001406743.1, NM_001406744.1 and 6 more transcripts); c.505G>T, p.Gly169Trp (NM_001355216.2); c.1138G>T, p.Gly380Trp (NM_001406761.1, NM_001406762.1, NM_001406764.1 and 1 more transcripts); c.979G>T, p.Gly327Trp (NM_001406766.1, NM_001406767.1, NM_001406770.1); c.871G>T, p.Gly291Trp (NM_001406769.1, NM_001406772.1); c.829G>T, p.Gly277Trp (NM_001406771.1, NM_001406773.1); c.742G>T, p.Gly248Trp (NM_001406774.1); c.541G>T, p.Gly181Trp (NM_001406775.1, NM_001406776.1, NM_001406777.1 and 1 more transcripts); and 5 more; short protein forms G169W, G181W, G248W, G277W, G291W, G327W, G380W, G423W.
Identifiers: ClinVar variation 2577901 (VCV002577901.3), dbSNP rs767601598, ClinGen allele CA032746.